The following is an entry in ClinVar:

ClinVar aggregate classification (germline): Pathogenic (1 of 4 stars; one submission).

Conditions:
Arterial tortuosity syndrome (ATORS). Identifiers: Orphanet 3342, MedGen C1859726, MONDO:0008818, OMIM 208050.

Allele frequency attached by ClinVar (database versions not stated): gnomAD exomes below 0.00001.

Submission:

Labcorp Genetics (formerly Invitae), Labcorp
Classification: Pathogenic for Arterial tortuosity syndrome. Last evaluated: 2025-12-21. Review status: criteria provided, single submitter. Criteria: Invitae Variant Classification Sherloc (09022015). Collection method: clinical testing. Allele origin: germline.
Comment: This sequence change creates a premature translational stop signal (p.Ser4Profs*17) in the SLC2A10 gene. It is expected to result in an absent or disrupted protein product. Loss-of-function variants in SLC2A10 are known to be pathogenic (PMID: 17935213, 22488877, 23494979). This variant is not present in population databases (gnomAD no frequency). This variant has not been reported in the literature in individuals affected with SLC2A10-related conditions. ClinVar contains an entry for this variant (Variation ID: 1911562). For these reasons, this variant has been classified as Pathogenic.

Literature cited by the submitters: PubMed 17935213; PubMed 22488877; PubMed 23494979.

NM_030777.4(SLC2A10):c.10del (p.Ser4fs)

Gene: SLC2A10 (solute carrier family 2 member 10; plus strand). Cytogenetic location: 20q13.12.
Variant type: Deletion.
Coding change: c.10del on transcript NM_030777.4 (MANE Select); coding-DNA position 10, one base deleted (T; older notation c.10delT).
Protein change: p.Ser4fs; shifts the reading frame from serine 4.
Molecular consequence: frameshift variant.
Genome position (GRCh38, 1-based): chr20:46,725,046, T deleted. VCF-style (leftmost placement, unchanged base first): chr20-46725045-CT-C. GRCh37 (hg19) VCF-style: chr20-45353684-CT-C.
Other names: short protein forms S4fs.
Identifiers: ClinVar variation 1911562 (VCV001911562.5), dbSNP rs2515585670, ClinGen allele CA2577417270.